The following is an entry in ClinVar:

ClinVar aggregate classification (germline): Uncertain significance (1 of 4 stars; one submission).

Submission:

GeneDx
Classification: Uncertain significance. Last evaluated: 2023-04-20. Review status: criteria provided, single submitter. Criteria: GeneDx Variant Classification Process June 2021. Collection method: clinical testing. Allele origin: germline. Affected: yes.
Comment: Not observed at significant frequency in large population cohorts (gnomAD); In silico analysis supports that this missense variant does not alter protein structure/function; Has not been previously published as pathogenic or benign to our knowledge

NM_017757.3(ZNF407):c.6312G>C (p.Gln2104His)

Gene: ZNF407 (zinc finger protein 407; plus strand). Cytogenetic location: 18q22.3.
Variant type: single nucleotide variant.
Coding change: c.6312G>C on transcript NM_017757.3 (MANE Select); coding-DNA position 6312, G replaced by C.
Protein change: p.Gln2104His; replaces glutamine 2104 with histidine.
Molecular consequence: missense variant.
Genome position (GRCh38, 1-based): chr18:75,064,033, G>C. VCF-style: chr18-75064033-G-C. GRCh37 (hg19) VCF-style: chr18-72775989-G-C.
Other names: c.6312G>C, p.Gln2104His (NM_001384475.1); short protein forms Q2104H.
Identifiers: ClinVar variation 2663680 (VCV002663680.1), dbSNP rs2512069386, ClinGen allele CA403072067.